The following is an entry in ClinVar:

NM_000338.3(SLC12A1):c.1764T>C (p.His588=)

Gene: SLC12A1 (solute carrier family 12 member 1; plus strand). Cytogenetic location: 15q21.1.
Variant type: single nucleotide variant.
Coding change: c.1764T>C on transcript NM_000338.3 (MANE Select); coding-DNA position 1764, T replaced by C.
Protein change: p.His588=; no amino-acid change (histidine 588 retained).
Molecular consequence: synonymous variant.
Genome position (GRCh38, 1-based): chr15:48,249,654, T>C. VCF-style: chr15-48249654-T-C. GRCh37 (hg19) VCF-style: chr15-48541851-T-C.
Other names: c.1764T>C, p.His588= (NM_001184832.2, NM_001384136.1); c.1764T>C (NM_000338.2).
Identifiers: ClinVar variation 1953353 (VCV001953353.7), dbSNP rs113857218, ClinGen allele CA7547185.

ClinVar aggregate classification (germline): Likely benign. Review status: criteria provided, single submitter (1 of 4 stars). 2 submissions from 2 submitters: Likely benign (1). 1 of the submissions does not count toward it. Last evaluated 2025-06-12.

Conditions:
SLC12A1-related disorder. Also called: SLC12A1-related condition.

Allele frequency attached by ClinVar (database versions not stated): gnomAD exomes 0.00002; ExAC 0.00004; ESP Exome Variant Server 0.00015; TOPMed 0.00023; gnomAD 0.00025.
gnomAD v4.1: 85 of 1,613,350 alleles (0.0053%); highest among the groups gnomAD compares: African/African-American, 0.092%; no homozygotes.

Submissions (2):

Labcorp Genetics (formerly Invitae), Labcorp
Classification: Likely benign. Last evaluated: 2025-06-12. Review status: criteria provided, single submitter. Criteria: Invitae Variant Classification Sherloc (09022015). Collection method: clinical testing. Allele origin: germline.

PreventionGenetics, part of Exact Sciences
Classification: Likely benign for SLC12A1-related condition. Last evaluated: 2022-04-06. Review status: no assertion criteria provided. Collection method: clinical testing. Allele origin: germline. Not counted in ClinVar's aggregate classification.
Comment: This variant is classified as likely benign based on ACMG/AMP sequence variant interpretation guidelines (Richards et al. 2015 PMID: 25741868, with internal and published modifications).